The following is an entry in ClinVar:

ClinVar aggregate classification (germline): Benign. Review status: criteria provided, multiple submitters, no conflicts (2 of 4 stars). 8 submissions from 8 submitters: Benign (7). 1 of the submissions does not count toward it. Last evaluated 2026-02-01.

Conditions:
Rhizomelic chondrodysplasia punctata type 3 (RCDP3). Also called: Alkylglycerone Phosphate Synthase (AGPS) deficiency; ALKYLDIHYDROXYACETONEPHOSPHATE SYNTHASE DEFICIENCY. Identifiers: Orphanet 177, Orphanet 309803, MedGen C1838612, MONDO:0010823, OMIM 600121. Disease mechanism: loss of function.

Allele frequency attached by ClinVar (database versions not stated): gnomAD exomes 0.00143 and 0.00364; ExAC 0.00437; gnomAD 0.01384 and 0.01496; 1000 Genomes Project 30x 0.01405; 1000 Genomes Project 0.01418; TOPMed 0.01541; ESP Exome Variant Server 0.01654.
gnomAD v4.1: 4,252 of 1,605,490 alleles (0.26%); highest among the groups gnomAD compares: African/African-American, 4.8%; 87 homozygotes.

Submissions (14):

Labcorp Genetics (formerly Invitae), Labcorp
Classification: Benign. Last evaluated: 2026-02-01. Review status: criteria provided, single submitter. Criteria: Invitae Variant Classification Sherloc (09022015). Collection method: clinical testing. Allele origin: germline.

ARUP Laboratories, Molecular Genetics and Genomics, ARUP Laboratories
Classification: Benign for Rhizomelic chondrodysplasia punctata type 3. Last evaluated: 2022-04-28. Review status: criteria provided, single submitter. Criteria: ARUP Molecular Germline Variant Investigation Process 2021. Collection method: clinical testing. Allele origin: germline.

Illumina Laboratory Services, Illumina
Classification: Benign for Rhizomelic chondrodysplasia punctata type 3. Last evaluated: 2018-01-13. Review status: criteria provided, single submitter. Criteria: ICSL Variant Classification Criteria 13 December 2019. Collection method: clinical testing. Allele origin: germline.
Comment: This variant was observed in the ICSL laboratory as part of a predisposition screen in an ostensibly healthy population. It had not been previously curated by ICSL or reported in the Human Gene Mutation Database (HGMD: prior to June 1st, 2018), and was therefore a candidate for classification through an automated scoring system. Utilizing variant allele frequency, disease prevalence and penetrance estimates, and inheritance mode, an automated score was calculated to assess if this variant is too frequent to cause the disease. Based on the score and internal cut-off values, a variant classified as benign is not then subjected to further curation. The score for this variant resulted in a classification of benign for this disease.

GeneDx
Classification: Benign. Last evaluated: 2016-08-26. Review status: criteria provided, single submitter. Criteria: GeneDx Variant Classification (06012015). Collection method: clinical testing. Allele origin: germline. Affected: yes.
Comment: This variant is considered likely benign or benign based on one or more of the following criteria: it is a conservative change, it occurs at a poorly conserved position in the protein, it is predicted to be benign by multiple in silico algorithms, and/or has population frequency not consistent with disease.

Genetic Services Laboratory, University of Chicago
Classification: Benign. Last evaluated: 2013-08-28. Review status: criteria provided, single submitter. Criteria: ACMG Guidelines, 2007. Collection method: clinical testing. Allele origin: germline. Inheritance: Autosomal recessive inheritance.

Breakthrough Genomics
Classification: Benign. Review status: criteria provided, single submitter. Criteria: ACMG Guidelines, 2015. Collection method: not provided. Allele origin: germline. Inheritance: Autosomal recessive inheritance. Affected: yes.

PreventionGenetics, part of Exact Sciences
Classification: Benign. Review status: criteria provided, single submitter. Criteria: ACMG Guidelines, 2015. Collection method: clinical testing. Allele origin: germline.

Natera, Inc.
Classification: Likely benign for Rhizomelic chondrodysplasia punctata, type 3. Last evaluated: 2019-12-02. Review status: no assertion criteria provided. Collection method: clinical testing. Allele origin: germline. Not counted in ClinVar's aggregate classification.

Dr. Peter K. Rogan Lab, Western University
No classification provided (evidence only). Condition: Colon adenocarcinoma. Review status: no classification provided. Collection method: in vitro. Allele origin: not applicable. Functional consequence: retained intron. Not counted in ClinVar's aggregate classification.

Dr. Peter K. Rogan Lab, Western University
No classification provided (evidence only). Condition: Thyroid cancer, nonmedullary, 1. Review status: no classification provided. Collection method: in vitro. Allele origin: not applicable. Functional consequence: retained intron. Not counted in ClinVar's aggregate classification.

Dr. Peter K. Rogan Lab, Western University
No classification provided (evidence only). Condition: Ovarian serous cystadenocarcinoma. Review status: no classification provided. Collection method: in vitro. Allele origin: not applicable. Functional consequence: retained intron. Not counted in ClinVar's aggregate classification.

Dr. Peter K. Rogan Lab, Western University
No classification provided (evidence only). Condition: Ovarian serous cystadenocarcinoma. Review status: no classification provided. Collection method: in vitro. Allele origin: not applicable. Functional consequence: retained intron. Not counted in ClinVar's aggregate classification.

Dr. Peter K. Rogan Lab, Western University
No classification provided (evidence only). Condition: Gastric cancer. Review status: no classification provided. Collection method: in vitro. Allele origin: not applicable. Functional consequence: retained intron. Not counted in ClinVar's aggregate classification.

Dr. Peter K. Rogan Lab, Western University
No classification provided (evidence only). Condition: Gastric cancer. Review status: no classification provided. Collection method: in vitro. Allele origin: not applicable. Functional consequence: retained intron. Not counted in ClinVar's aggregate classification.

NM_003659.4(AGPS):c.1173C>G (p.Gly391=)

Gene: AGPS (alkylglycerone phosphate synthase; plus strand). Cytogenetic location: 2q31.2.
Variant type: single nucleotide variant.
Coding change: c.1173C>G on transcript NM_003659.4 (MANE Select); coding-DNA position 1173, C replaced by G.
Protein change: p.Gly391=; no amino-acid change (glycine 391 retained).
Molecular consequence: synonymous variant.
Genome position (GRCh38, 1-based): chr2:177,482,126, C>G. VCF-style: chr2-177482126-C-G. GRCh37 (hg19) VCF-style: chr2-178346854-C-G.
Identifiers: ClinVar variation 157710 (VCV000157710.34), dbSNP rs115580413, ClinGen allele CA171094.